The following is an entry in ClinVar:

NM_183075.3(CYP2U1):c.128T>C (p.Val43Ala)

Genes: CYP2U1 (cytochrome P450 family 2 subfamily U member 1; plus strand), CYP2U1-AS1 (CYP2U1 and SGMS2 antisense RNA 1; minus strand). Cytogenetic location: 4q25.
Variant type: single nucleotide variant.
Coding change: c.128T>C on transcript NM_183075.3 (MANE Select); coding-DNA position 128, T replaced by C.
Protein change: p.Val43Ala; replaces valine 43 with alanine.
Molecular consequence: missense variant.
Genome position (GRCh38, 1-based): chr4:107,931,771, T>C. VCF-style: chr4-107931771-T-C. GRCh37 (hg19) VCF-style: chr4-108852927-T-C.
Other names: short protein forms V43A.
Identifiers: ClinVar variation 2181779 (VCV002181779.4), dbSNP rs1386505554, ClinGen allele CA357831780.

ClinVar aggregate classification (germline): Uncertain significance (1 of 4 stars; one submission).

Conditions:
Spastic paraplegia. Identifiers: MedGen C0037772, HP:0001258.

Allele frequency attached by ClinVar (database versions not stated): gnomAD 0.00001; TOPMed 0.00002.

Submission:

Labcorp Genetics (formerly Invitae), Labcorp
Classification: Uncertain significance for Spastic paraplegia. Last evaluated: 2024-07-01. Review status: criteria provided, single submitter. Criteria: Invitae Variant Classification Sherloc (09022015). Collection method: clinical testing. Allele origin: germline.
Comment: This sequence change replaces valine, which is neutral and non-polar, with alanine, which is neutral and non-polar, at codon 43 of the CYP2U1 protein (p.Val43Ala). This variant is not present in population databases (gnomAD no frequency). This variant has not been reported in the literature in individuals affected with CYP2U1-related conditions. ClinVar contains an entry for this variant (Variation ID: 2181779). Advanced modeling of protein sequence and biophysical properties (such as structural, functional, and spatial information, amino acid conservation, physicochemical variation, residue mobility, and thermodynamic stability) performed at Invitae indicates that this missense variant is not expected to disrupt CYP2U1 protein function with a negative predictive value of 95%. In summary, the available evidence is currently insufficient to determine the role of this variant in disease. Therefore, it has been classified as a Variant of Uncertain Significance.